The following is an entry in ClinVar:

NC_012920.1(MT-TK):m.8315A>G

Gene: MT-TK (mitochondrially encoded tRNA lysine; plus strand).
Variant type: single nucleotide variant.
Genome position: chrM-8315-A-G.
Identifiers: ClinVar variation 690069 (VCV000690069.1), dbSNP rs1603221400, ClinGen allele CA913178935.

ClinVar aggregate classification (germline): Likely benign (1 of 4 stars; one submission).

Conditions:
MELAS syndrome (MELAS). Also called: Juvenile myopathy, encephalopathy, lactic acidosis, stroke. Identifiers: Orphanet 550, MedGen C0162671, MONDO:0010789, OMIM 540000.

Submission:

Wong Mito Lab, Molecular and Human Genetics, Baylor College of Medicine
Classification: Likely benign for MELAS syndrome. Last evaluated: 2019-07-12. Review status: criteria provided, single submitter. Criteria: Modified ACMG Guidelines (Unpublished). Collection method: clinical testing. Allele origin: germline.
Comment: The NC_012920.1:m.8315A>G variant in MT-TK gene is interpreted to be a Likely Benign variant based on the modified ACMG guidelines (unpublished). This variant meets the following evidence codes reported in the guidelines: BS1, BP4

Literature cited by the submitters: PubMed 31965079.